The following is an entry in ClinVar:

ClinVar aggregate classification (germline): Uncertain significance (1 of 4 stars; one submission).

Allele frequency attached by ClinVar (database versions not stated): gnomAD 0.00003 and 0.00004; gnomAD exomes 0.00003; ExAC 0.00006; TOPMed 0.00006.
gnomAD v4.1: 48 of 1,601,236 alleles (0.003%); highest among the groups gnomAD compares: Middle Eastern, 0.016%; no homozygotes.

Submission:

Labcorp Genetics (formerly Invitae), Labcorp
Classification: Uncertain significance. Last evaluated: 2025-01-29. Review status: criteria provided, single submitter. Criteria: Invitae Variant Classification Sherloc (09022015). Collection method: clinical testing. Allele origin: germline.
Comment: This sequence change replaces arginine, which is basic and polar, with tryptophan, which is neutral and slightly polar, at codon 341 of the FSCN2 protein (p.Arg341Trp). This variant is present in population databases (rs774101992, gnomAD 0.01%). This variant has not been reported in the literature in individuals affected with FSCN2-related conditions. ClinVar contains an entry for this variant (Variation ID: 843112). An algorithm developed to predict the effect of missense changes on protein structure and function (PolyPhen-2) suggests that this variant is likely to be disruptive. In summary, the available evidence is currently insufficient to determine the role of this variant in disease. Therefore, it has been classified as a Variant of Uncertain Significance.

NM_012418.4(FSCN2):c.1021C>T (p.Arg341Trp)

Gene: FSCN2 (fascin actin-bundling protein 2, retinal; plus strand). Cytogenetic location: 17q25.3.
Variant type: single nucleotide variant.
Coding change: c.1021C>T on transcript NM_012418.4 (MANE Select); coding-DNA position 1021, C replaced by T.
Protein change: p.Arg341Trp; replaces arginine 341 with tryptophan.
Molecular consequence: missense variant.
Genome position (GRCh38, 1-based): chr17:81,536,183, C>T. VCF-style: chr17-81536183-C-T. GRCh37 (hg19) VCF-style: chr17-79503209-C-T.
Other names: c.1021C>T, p.Arg341Trp (NM_001077182.3); short protein forms R341W.
Identifiers: ClinVar variation 843112 (VCV000843112.7), dbSNP rs774101992, ClinGen allele CA8836928.
Genomic context (GRCh38, chr17:81,536,183, plus strand): 5'-AGACCTTTTGCTGCTCCCTCCAGTTCTGCCAACACCATGTTTGAGATGGAGTGGCGTGGC[C>T]GGCGGGTAGCACTCAAAGCCAGCAACGGGCGCTACGTGTGCATGAAGAAGAATGGGCAGC-3'
Protein context (NP_036550.1, residues 331-351): NTMFEMEWRG[Arg341Trp]RVALKASNGR